The following is an entry in ClinVar:

NM_015559.3(SETBP1):c.1493G>T (p.Arg498Leu)

Gene: SETBP1 (SET binding protein 1; plus strand). Cytogenetic location: 18q12.3.
Variant type: single nucleotide variant.
Coding change: c.1493G>T on transcript NM_015559.3 (MANE Select); coding-DNA position 1493, G replaced by T.
Protein change: p.Arg498Leu; replaces arginine 498 with leucine.
Molecular consequence: missense variant.
Genome position (GRCh38, 1-based): chr18:44,950,833, G>T. VCF-style: chr18-44950833-G-T. GRCh37 (hg19) VCF-style: chr18-42530798-G-T.
Other names: c.1493G>T, p.Arg498Leu (NM_001379141.1, NM_001379142.1, NM_001410862.1); short protein forms R498L.
Identifiers: ClinVar variation 2076620 (VCV002076620.4), dbSNP rs563237293, ClinGen allele CA402318641.
Genomic context (GRCh38, chr18:44,950,833, plus strand): 5'-TTGGCCTTGAAACTGGTGGAAATGCTGAGAAAGTTATCCCAGGAGGTGTGTCTAAGCCGC[G>T]GAAGCCACCCATGGTCATGACACCTCCAACGTGCACAGATCACTCTCCATCCAGAAAGCT-3'
Protein context (NP_056374.2, residues 488-508): KVIPGGVSKP[Arg498Leu]KPPMVMTPPT

ClinVar aggregate classification (germline): Uncertain significance (1 of 4 stars; one submission).

Submission:

Labcorp Genetics (formerly Invitae), Labcorp
Classification: Uncertain significance. Last evaluated: 2023-07-10. Review status: criteria provided, single submitter. Criteria: Invitae Variant Classification Sherloc (09022015). Collection method: clinical testing. Allele origin: germline.
Comment: In summary, the available evidence is currently insufficient to determine the role of this variant in disease. Therefore, it has been classified as a Variant of Uncertain Significance. Advanced modeling of protein sequence and biophysical properties (such as structural, functional, and spatial information, amino acid conservation, physicochemical variation, residue mobility, and thermodynamic stability) performed at Invitae indicates that this missense variant is not expected to disrupt SETBP1 protein function. ClinVar contains an entry for this variant (Variation ID: 2076620). This variant has not been reported in the literature in individuals affected with SETBP1-related conditions. This variant is not present in population databases (gnomAD no frequency). This sequence change replaces arginine, which is basic and polar, with leucine, which is neutral and non-polar, at codon 498 of the SETBP1 protein (p.Arg498Leu).